The following is an entry in ClinVar:

NM_001378457.1(DMXL2):c.4500A>G (p.Gln1500=)

Gene: DMXL2 (Dmx like 2; minus strand). Cytogenetic location: 15q21.2.
Variant type: single nucleotide variant.
Coding change: c.4500A>G on transcript NM_001378457.1 (MANE Select); coding-DNA position 4500, A replaced by G.
Protein change: p.Gln1500=; no amino-acid change (glutamine 1500 retained).
Molecular consequence: synonymous variant. On other transcripts: non-coding transcript variant (2), intron variant (2).
Genome position (GRCh38, 1-based): chr15:51,498,724, T>C on the plus strand (A>G on the coding strand, the complement: DMXL2 is on the minus strand). VCF-style: chr15-51498724-T-C. GRCh37 (hg19) VCF-style: chr15-51790921-T-C.
Other names: c.4500A>G, p.Gln1500= (NM_001174116.3, NM_001378458.1, NM_001378459.1 and 4 more transcripts); c.4260A>G, p.Gln1420= (NM_001378464.1); c.2765-6977A>G (NM_001378460.1); c.2765-3590A>G (NM_001174117.3); c.4500A>G (NM_001174116.1).
Identifiers: ClinVar variation 2172815 (VCV002172815.5), dbSNP rs761615708, ClinGen allele CA7562010.

ClinVar aggregate classification (germline): Likely benign. Review status: criteria provided, multiple submitters, no conflicts (2 of 4 stars). 2 submissions from 2 submitters: Likely benign (2). Last evaluated 2025-05-18.

Conditions:
DMXL2-related disorder. Also called: DMXL2-related condition.

Allele frequency attached by ClinVar (database versions not stated): gnomAD 0.00001; TOPMed 0.00003; gnomAD exomes 0.00005; ExAC 0.00008.
gnomAD v4.1: 31 of 1,614,078 alleles (0.0019%); highest among the groups gnomAD compares: Admixed American, 0.048%; no homozygotes.

Submissions (2):

Labcorp Genetics (formerly Invitae), Labcorp
Classification: Likely benign. Last evaluated: 2025-05-18. Review status: criteria provided, single submitter. Criteria: Invitae Variant Classification Sherloc (09022015). Collection method: clinical testing. Allele origin: germline.

PreventionGenetics, part of Exact Sciences
Classification: Likely benign for DMXL2-related condition. Last evaluated: 2025-01-24. Review status: criteria provided, single submitter. Criteria: ACMG Guidelines, 2015. Collection method: clinical testing. Allele origin: germline.
Comment: This variant is classified as likely benign based on ACMG/AMP sequence variant interpretation guidelines (Richards et al. 2015 PMID: 25741868, with internal and published modifications).